The following is an entry in ClinVar:

ClinVar aggregate classification (germline): Conflicting classifications of pathogenicity. Review status: criteria provided, conflicting classifications (1 of 4 stars). 3 submissions from 3 submitters: Uncertain significance (2); Likely benign (1). Last evaluated 2026-01-09.

Conditions:
Nemaline myopathy 2 (NEM2). Also called: Nemaline myopathy 2, autosomal recessive. Identifiers: MedGen C1850569, MONDO:0009725, OMIM 256030.

Allele frequency attached by ClinVar (database versions not stated): gnomAD exomes 0.00002 and 0.00004; ESP Exome Variant Server 0.00008; ExAC 0.00001.
gnomAD v4.1: 62 of 1,613,872 alleles (0.0038%); highest among the groups gnomAD compares: Admixed American, 0.01%; no homozygotes.

Submissions (3):

Labcorp Genetics (formerly Invitae), Labcorp
Classification: Likely benign for Nemaline myopathy 2. Last evaluated: 2026-01-09. Review status: criteria provided, single submitter. Criteria: Invitae Variant Classification Sherloc (09022015). Collection method: clinical testing. Allele origin: germline.

GeneDx
Classification: Uncertain significance. Last evaluated: 2025-06-11. Review status: criteria provided, single submitter. Criteria: GeneDx Variant Classification Process June 2021. Collection method: clinical testing. Allele origin: germline. Affected: yes.
Comment: Not observed at significant frequency in large population cohorts (gnomAD); In silico analysis supports that this missense variant has a deleterious effect on protein structure/function; Has not been previously published as pathogenic or benign to our knowledge

Revvity Omics, Revvity
Classification: Uncertain significance. Last evaluated: 2022-05-11. Review status: criteria provided, single submitter. Criteria: ACMG Guidelines, 2015. Collection method: clinical testing. Allele origin: germline.

NM_001164508.2(NEB):c.22414G>A (p.Gly7472Ser)

Genes: RIF1 (replication timing regulatory factor 1; plus strand), NEB (nebulin; minus strand). Cytogenetic location: 2q23.3.
Variant type: single nucleotide variant.
Coding change: c.22414G>A on transcript NM_001164508.2 (MANE Select); coding-DNA position 22414, G replaced by A.
Protein change: p.Gly7472Ser; replaces glycine 7472 with serine.
Molecular consequence: missense variant.
Genome position (GRCh38, 1-based): chr2:151,524,376, C>T on the plus strand (G>A on the coding strand, the complement: NEB is on the minus strand). VCF-style: chr2-151524376-C-T. GRCh37 (hg19) VCF-style: chr2-152380890-C-T.
Other names: c.22414G>A, p.Gly7472Ser (NM_001164507.2); c.22519G>A, p.Gly7507Ser (NM_001271208.2); c.17311G>A, p.Gly5771Ser (NM_004543.5); c.22519G>A (NM_001271208.1); short protein forms G5771S, G7507S, G7472S.
Identifiers: ClinVar variation 1380772 (VCV001380772.9), dbSNP rs376101302, ClinGen allele CA1906653.